The following is an entry in ClinVar:

ClinVar aggregate classification (germline): Uncertain significance (1 of 4 stars; one submission).

Submission:

Labcorp Genetics (formerly Invitae), Labcorp
Classification: Uncertain significance. Last evaluated: 2024-10-16. Review status: criteria provided, single submitter. Criteria: Invitae Variant Classification Sherloc (09022015). Collection method: clinical testing. Allele origin: germline.
Comment: This sequence change replaces tyrosine, which is neutral and polar, with aspartic acid, which is acidic and polar, at codon 902 of the POLR3A protein (p.Tyr902Asp). This variant is not present in population databases (gnomAD no frequency). This variant has not been reported in the literature in individuals affected with POLR3A-related conditions. ClinVar contains an entry for this variant (Variation ID: 2014003). Invitae Evidence Modeling of protein sequence and biophysical properties (such as structural, functional, and spatial information, amino acid conservation, physicochemical variation, residue mobility, and thermodynamic stability) indicates that this missense variant is expected to disrupt POLR3A protein function with a positive predictive value of 80%. In summary, the available evidence is currently insufficient to determine the role of this variant in disease. Therefore, it has been classified as a Variant of Uncertain Significance.

NM_007055.4(POLR3A):c.2704T>G (p.Tyr902Asp)

Gene: POLR3A (RNA polymerase III subunit A; minus strand). Cytogenetic location: 10q22.3.
Variant type: single nucleotide variant.
Coding change: c.2704T>G on transcript NM_007055.4 (MANE Select); coding-DNA position 2704, T replaced by G.
Protein change: p.Tyr902Asp; replaces tyrosine 902 with aspartic acid.
Molecular consequence: missense variant.
Genome position (GRCh38, 1-based): chr10:77,993,280, A>C on the plus strand (T>G on the coding strand, the complement: POLR3A is on the minus strand). VCF-style: chr10-77993280-A-C. GRCh37 (hg19) VCF-style: chr10-79753038-A-C.
Other names: short protein forms Y902D.
Identifiers: ClinVar variation 2014003 (VCV002014003.4), dbSNP rs2493199118, ClinGen allele CA377334283.